The following is an entry in ClinVar:

NM_002249.6(KCNN3):c.200AGC[18] (p.Gln77_Gln80dup)

Gene: KCNN3 (potassium calcium-activated channel subfamily N member 3; minus strand). Cytogenetic location: 1q21.3.
Variant type: Microsatellite.
Coding change: c.200AGC[18] on transcript NM_002249.6 (MANE Select); 18 copies in a row of the 3-base unit AGC starting at c.200; the reference has 14 copies in a row; four copies, 12 bases duplicated.
Protein change: p.Gln77_Gln80dup.
Molecular consequence: inframe insertion.
Genome position (GRCh38, 1-based): chr1:154,869,724-154,869,735, GCTGCTGCTGCT duplicated on the plus strand (AGCAGCAGCAGC on the coding strand, the reverse complement: KCNN3 is on the minus strand); duplicating any 12 consecutive bases within chr1:154,869,724-154,869,766 gives the same sequence; the position shown is the placement nearest the transcript's 3' end. VCF-style (leftmost placement, unchanged base first): chr1-154869723-G-GGCTGCTGCTGCT. GRCh37 (hg19) VCF-style: chr1-154842199-G-GGCTGCTGCTGCT.
Other names: NM_001204087.1:c.230_241dup; c.200AGC[18], p.Gln77_Gln80dup (NM_001204087.2).
Identifiers: ClinVar variation 403003 (VCV000403003.10), dbSNP rs3831942, ClinGen allele CA1132326.
Genomic context (GRCh38, chr1:154,869,723, plus strand): 5'-AGCAGGCCAGGGTGGACGGGCTGGCTCTGGAGTTGGGCGAGCTGAGACAGGGGATGCGGT[G>GGCTGCTGCTGCT]GCTGCTGCTGCTGCTGCTGCTGCTGCTGCTGCTGCTGCTGCTGAAGCTGCGGAGGCTGAG-3'

ClinVar aggregate classification (germline): Benign/Likely benign. Review status: criteria provided, multiple submitters, no conflicts (2 of 4 stars). 4 submissions from 4 submitters: Benign (3); Likely benign (1). Last evaluated 2024-11-26.

Submissions (4):

Blueprint Genetics
Classification: Likely benign. Last evaluated: 2024-11-26. Review status: criteria provided, single submitter. Criteria: ACMG Guidelines, 2015. Collection method: clinical testing. Allele origin: germline.

Mendelics
Classification: Benign. Last evaluated: 2022-05-04. Review status: criteria provided, single submitter. Criteria: Mendelics Assertion Criteria 2019. Collection method: clinical testing. Allele origin: germline.

GeneDx
Classification: Benign. Last evaluated: 2020-11-25. Review status: criteria provided, single submitter. Criteria: GeneDx Variant Classification Process June 2021. Collection method: clinical testing. Allele origin: germline. Affected: yes.

Laboratory for Molecular Medicine, Mass General Brigham Personalized Medicine
Classification: Benign. Last evaluated: 2016-03-28. Review status: criteria provided, single submitter. Criteria: LMM Criteria. Collection method: clinical testing. Allele origin: germline.
Comment: Variant identified in a genome or exome case(s) and assessed due to predicted null impact of the variant or pathogenic assertions in the literature or databases. Disclaimer: This variant has not undergone full assessment. The following are preliminary notes: Frequency